The following is an entry in ClinVar:

NM_030913.6(SEMA6C):c.1922A>G (p.Glu641Gly)

Gene: SEMA6C (semaphorin 6C; minus strand). Cytogenetic location: 1q21.3.
Variant type: single nucleotide variant.
Coding change: c.1922A>G on transcript NM_030913.6 (MANE Select); coding-DNA position 1922, A replaced by G.
Protein change: p.Glu641Gly; replaces glutamic acid 641 with glycine.
Molecular consequence: missense variant.
Genome position (GRCh38, 1-based): chr1:151,133,355, T>C on the plus strand (A>G on the coding strand, the complement: SEMA6C is on the minus strand). VCF-style: chr1-151133355-T-C. GRCh37 (hg19) VCF-style: chr1-151105831-T-C.
Other names: c.2018A>G, p.Glu673Gly (NM_001178061.3); c.1898A>G, p.Glu633Gly (NM_001178062.3); short protein forms E633G, E641G, E673G.
Identifiers: ClinVar variation 3067221 (VCV003067221.21), dbSNP rs146921438, ClinGen allele CA1085268.

ClinVar aggregate classification (germline): Likely benign (1 of 4 stars; one submission).

Allele frequency attached by ClinVar (database versions not stated): 1000 Genomes Project 30x 0.00250; 1000 Genomes Project 0.00319; ESP Exome Variant Server 0.00386; TOPMed 0.00461; gnomAD 0.00552; ExAC 0.00588; gnomAD exomes 0.00727.

Submission:

CeGaT Center for Human Genetics Tuebingen
Classification: Likely benign. Last evaluated: 2024-03-01. Review status: criteria provided, single submitter. Criteria: CeGaT Center For Human Genetics Tuebingen Variant Classification Criteria Version 2. Collection method: clinical testing. Allele origin: germline. Affected: yes. Observed: 1 variant allele.
Comment: SEMA6C: BS2